The following is an entry in ClinVar:

ClinVar aggregate classification (germline): Uncertain significance (1 of 4 stars; one submission).

Submission:

Dasa
Classification: Uncertain significance. Last evaluated: 2026-04-11. Review status: criteria provided, single submitter. Criteria: DASA Assertion Criteria. Collection method: clinical testing. Allele origin: germline.
Comment: NM_182925.5(FLT4):c.1421+6T>C is a splice-region variant predicted to affect normal RNA splicing. This variant is absent from population databases. Computational prediction algorithms are consistent with a deleterious effect. The currently available literature and clinical evidence are not sufficient to establish a definitive association between this variant and the reported condition. Therefore, this variant is classified as a variant of uncertain significance.

NM_182925.5(FLT4):c.1421+6T>C

Gene: FLT4 (fms related receptor tyrosine kinase 4; minus strand). Cytogenetic location: 5q35.3.
Variant type: single nucleotide variant.
Coding change: c.1421+6T>C on transcript NM_182925.5 (MANE Select); 6 bases into the intron after coding-DNA position 1421, T replaced by C.
Molecular consequence: intron variant.
Genome position (GRCh38, 1-based): chr5:180,625,863, A>G on the plus strand (T>C on the coding strand, the complement: FLT4 is on the minus strand). VCF-style: chr5-180625863-A-G. GRCh37 (hg19) VCF-style: chr5-180052863-A-G.
Other names: c.1421+6T>C (NM_001354989.2, NM_002020.5).
Identifiers: ClinVar variation 4852662 (VCV004852662.2).